The following is an entry in ClinVar:

ClinVar aggregate classification (germline): Benign (0 of 4 stars; one submission).

Conditions:
MTMR7-related disorder. Also called: MTMR7-related condition.

Allele frequency attached by ClinVar (database versions not stated): ESP Exome Variant Server 0.00008; TOPMed 0.00047; gnomAD 0.00048; ExAC 0.00139; 1000 Genomes Project 30x 0.00265; 1000 Genomes Project 0.00280.
gnomAD v4.1: 1,007 of 1,608,640 alleles (0.063%); highest among the groups gnomAD compares: South Asian, 0.95%; 13 homozygotes.

Submission:

PreventionGenetics, part of Exact Sciences
Classification: Benign for MTMR7-related condition. Last evaluated: 2019-10-28. Review status: no assertion criteria provided. Collection method: clinical testing. Allele origin: germline.
Comment: This variant is classified as benign based on ACMG/AMP sequence variant interpretation guidelines (Richards et al. 2015 PMID: 25741868, with internal and published modifications).

NM_004686.5(MTMR7):c.25-6C>A

Gene: MTMR7 (myotubularin related protein 7; minus strand). Cytogenetic location: 8p22.
Variant type: single nucleotide variant.
Coding change: c.25-6C>A on transcript NM_004686.5 (MANE Select); 6 bases into the intron before coding-DNA position 25, C replaced by A.
Molecular consequence: intron variant.
Genome position (GRCh38, 1-based): chr8:17,373,246, G>T on the plus strand (C>A on the coding strand, the complement: MTMR7 is on the minus strand). VCF-style: chr8-17373246-G-T. GRCh37 (hg19) VCF-style: chr8-17230755-G-T.
Identifiers: ClinVar variation 3033699 (VCV003033699.2), dbSNP rs180824276, ClinGen allele CA4644418.